The following is an entry in ClinVar:

ClinVar aggregate classification (germline): Uncertain significance. Review status: criteria provided, multiple submitters, no conflicts (2 of 4 stars). 7 submissions from 7 submitters: Uncertain significance (5). 2 of the submissions do not count toward it. Last evaluated 2023-08-08.

Conditions:
Glycogen storage disease type III (GSD3). Also called: Cori disease; FORBES DISEASE. Identifiers: Orphanet 366, MedGen C0017922, MONDO:0009291, OMIM 232400.
AGL-related disorder. Also called: AGL-related condition.
Inborn genetic diseases. Identifiers: MedGen C0950123, MeSH D030342.

Allele frequency attached by ClinVar (database versions not stated): ESP Exome Variant Server 0.00008; TOPMed 0.00008; gnomAD 0.00011 and 0.00012; 1000 Genomes Project 30x 0.00016; 1000 Genomes Project 0.00020.
gnomAD v4.1: 87 of 1,613,980 alleles (0.0054%); highest among the groups gnomAD compares: African/African-American, 0.024%; no homozygotes.

Submissions (7):

Women's Health and Genetics/Laboratory Corporation of America, LabCorp
Classification: Uncertain significance. Last evaluated: 2023-08-08. Review status: criteria provided, single submitter. Criteria: LabCorp Variant Classification Summary - May 2015. Collection method: clinical testing. Allele origin: germline.

Genome-Nilou Lab
Classification: Uncertain significance for Glycogen storage disease type III. Last evaluated: 2023-04-11. Review status: criteria provided, single submitter. Criteria: ACMG Guidelines, 2015. Collection method: clinical testing. Allele origin: germline. Affected: no.

Ambry Genetics
Classification: Uncertain significance for Inborn genetic diseases. Last evaluated: 2022-10-27. Review status: criteria provided, single submitter. Criteria: Ambry Variant Classification Scheme 2023. Collection method: clinical testing. Allele origin: germline.

GeneDx
Classification: Uncertain significance. Last evaluated: 2022-09-12. Review status: criteria provided, single submitter. Criteria: GeneDx Variant Classification Process June 2021. Collection method: clinical testing. Allele origin: germline. Affected: yes.
Comment: In silico analysis supports that this missense variant does not alter protein structure/function; Has not been previously published as pathogenic or benign to our knowledge

Labcorp Genetics (formerly Invitae), Labcorp
Classification: Uncertain significance for Glycogen storage disease type III. Last evaluated: 2022-07-19. Review status: criteria provided, single submitter. Criteria: Invitae Variant Classification Sherloc (09022015). Collection method: clinical testing. Allele origin: germline.
Comment: This sequence change replaces arginine, which is basic and polar, with histidine, which is basic and polar, at codon 114 of the AGL protein (p.Arg114His). This variant is present in population databases (rs150146360, gnomAD 0.02%). This variant has not been reported in the literature in individuals affected with AGL-related conditions. ClinVar contains an entry for this variant (Variation ID: 576547). Algorithms developed to predict the effect of missense changes on protein structure and function output the following: SIFT: "Tolerated"; PolyPhen-2: "Benign"; Align-GVGD: "Class C0". The histidine amino acid residue is found in multiple mammalian species, which suggests that this missense change does not adversely affect protein function. In summary, the available evidence is currently insufficient to determine the role of this variant in disease. Therefore, it has been classified as a Variant of Uncertain Significance.

PreventionGenetics, part of Exact Sciences
Classification: Uncertain significance for AGL-related condition. Last evaluated: 2024-08-13. Review status: no assertion criteria provided. Collection method: clinical testing. Allele origin: germline. Not counted in ClinVar's aggregate classification.
Comment: The AGL c.341G>A variant is predicted to result in the amino acid substitution p.Arg114His. To our knowledge, this variant has not been reported in the literature. This variant is reported in 0.016% of alleles in individuals of African descent in gnomAD. At this time, the clinical significance of this variant is uncertain due to the absence of conclusive functional and genetic evidence.

Natera, Inc.
Classification: Uncertain significance for Glycogen storage disease type III. Last evaluated: 2019-10-28. Review status: no assertion criteria provided. Collection method: clinical testing. Allele origin: germline. Not counted in ClinVar's aggregate classification.

NM_000642.3(AGL):c.341G>A (p.Arg114His)

Gene: AGL (amylo-alpha-1,6-glucosidase and 4-alpha-glucanotransferase; plus strand). Cytogenetic location: 1p21.2.
Variant type: single nucleotide variant.
Coding change: c.341G>A on transcript NM_000642.3 (MANE Select); coding-DNA position 341, G replaced by A.
Protein change: p.Arg114His; replaces arginine 114 with histidine.
Molecular consequence: missense variant.
Genome position (GRCh38, 1-based): chr1:99,862,304, G>A. VCF-style: chr1-99862304-G-A. GRCh37 (hg19) VCF-style: chr1-100327860-G-A.
Other names: c.341G>A, p.Arg114His (NM_000028.3, NM_000643.3, NM_000644.3 and 5 more transcripts); c.293G>A, p.Arg98His (NM_000646.3); short protein forms R114H, R98H.
Identifiers: ClinVar variation 576547 (VCV000576547.13), dbSNP rs150146360, ClinGen allele CA966139.